The following is an entry in ClinVar:

ClinVar aggregate classification (germline): Conflicting classifications of pathogenicity. Review status: criteria provided, conflicting classifications (1 of 4 stars). 5 submissions from 5 submitters: Pathogenic (1); Likely pathogenic (2); Uncertain significance (1). 1 of the submissions does not count toward it. Last evaluated 2025-12-02.

Conditions:
Intellectual developmental disorder, X-linked 19. Also called: Intellectual disability, X-linked 19. Identifiers: Orphanet 777, MedGen C0796225, MONDO:0010447, OMIM 300844.
Coffin-Lowry syndrome (CLS). Also called: COFFIN-LOWRY SYNDROME, MILD; Mental retardation with osteocartilaginous abnormalities. Identifiers: Orphanet 192, MedGen C0265252, MONDO:0010561, OMIM 303600.
Inborn genetic diseases. Identifiers: MedGen C0950123, MeSH D030342.

Submissions (5):

Labcorp Genetics (formerly Invitae), Labcorp
Classification: Uncertain significance for Coffin-Lowry syndrome; Intellectual developmental disorder, X-linked 19. Last evaluated: 2025-12-02. Review status: criteria provided, single submitter. Criteria: Invitae Variant Classification Sherloc (09022015). Collection method: clinical testing. Allele origin: germline.
Comment: This sequence change falls in intron 4 of the RPS6KA3 gene. It does not directly change the encoded amino acid sequence of the RPS6KA3 protein. This variant is not present in population databases (gnomAD no frequency). This variant has been observed in individual(s) with Coffin-Lowry syndrome (PMID: 11992250). This variant is also known as IVS4-11A>G. ClinVar contains an entry for this variant (Variation ID: 521925). Studies have shown that this variant alters RPS6KA3 gene expression (PMID: 11992250). Algorithms developed to predict the effect of sequence changes on RNA splicing suggest that this variant may disrupt the consensus splice site. In summary, the available evidence is currently insufficient to determine the role of this variant in disease. Therefore, it has been classified as a Variant of Uncertain Significance.

Genomic Medicine Center of Excellence, King Faisal Specialist Hospital and Research Centre
Classification: Likely pathogenic for Coffin-Lowry syndrome. Last evaluated: 2024-03-25. Review status: criteria provided, single submitter. Criteria: ACMG Guidelines, 2015. Collection method: clinical testing. Allele origin: germline.

GeneDx
Classification: Pathogenic. Last evaluated: 2023-12-18. Review status: criteria provided, single submitter. Criteria: GeneDx Variant Classification Process June 2021. Collection method: clinical testing. Allele origin: germline. Affected: yes.
Comment: Reported in the literature in a patient with features of RPS6KA3-Related Coffin-Lowry Spectrum Disorder and functional studies demonstrate that this non-canonical splice site variant resulted in loss-of-function (PMID:11992250); Not observed at significant frequency in large population cohorts (gnomAD); This variant is associated with the following publications: (PMID: 11992250)

Ambry Genetics
Classification: Likely pathogenic for Inborn genetic diseases. Last evaluated: 2017-08-16. Review status: criteria provided, single submitter. Criteria: Ambry exome assertion method (8-5-2015). Collection method: clinical testing. Allele origin: germline. Affected: yes. Observed: 1 variant allele.

OMIM
Classification: Pathogenic for COFFIN-LOWRY SYNDROME. Last evaluated: 2002-06-01. Review status: no assertion criteria provided. Collection method: literature only. Allele origin: germline. Not counted in ClinVar's aggregate classification.

Literature cited by the submitters: PubMed 11992250 (cited by 3 submitters).

NM_004586.3(RPS6KA3):c.326-11A>G

Gene: RPS6KA3 (ribosomal protein S6 kinase A3; minus strand). Cytogenetic location: Xp22.12.
Variant type: single nucleotide variant.
Coding change: c.326-11A>G on transcript NM_004586.3 (MANE Select); 11 bases into the intron before coding-DNA position 326, A replaced by G.
Molecular consequence: intron variant.
Genome position (GRCh38, 1-based): chrX:20,195,156, T>C on the plus strand (A>G on the coding strand, the complement: RPS6KA3 is on the minus strand). VCF-style: chrX-20195156-T-C. GRCh37 (hg19) VCF-style: chrX-20213274-T-C.
Other names: IVS5, A-G, -11.
Identifiers: ClinVar variation 521925 (VCV000521925.9), dbSNP rs1555943503, ClinGen allele CA658799621.